The following is an entry in ClinVar:

ClinVar aggregate classification (germline): Likely pathogenic (1 of 4 stars; one submission).

gnomAD v4.1: 5 of 1,609,138 alleles (0.00031%); highest among the groups gnomAD compares: Non-Finnish European, 0.00043%; no homozygotes.

Submission:

Labcorp Genetics (formerly Invitae), Labcorp
Classification: Likely pathogenic. Last evaluated: 2025-03-11. Review status: criteria provided, single submitter. Criteria: Invitae Variant Classification Sherloc (09022015). Collection method: clinical testing. Allele origin: germline.
Comment: This sequence change affects a donor splice site in intron 4 of the POLG2 gene. It is expected to disrupt RNA splicing. Variants that disrupt the donor or acceptor splice site typically lead to a loss of protein function (PMID: 16199547), and loss-of-function variants in POLG2 are known to be pathogenic (PMID: 28078310, 29625556). This variant is not present in population databases (gnomAD no frequency). This variant has not been reported in the literature in individuals affected with POLG2-related conditions. Algorithms developed to predict the effect of sequence changes on RNA splicing suggest that this variant may disrupt the consensus splice site. In summary, the currently available evidence indicates that the variant is pathogenic, but additional data are needed to prove that conclusively. Therefore, this variant has been classified as Likely Pathogenic.

Literature cited by the submitters: PubMed 16199547; PubMed 28078310; PubMed 29625556.

NM_007215.4(POLG2):c.969+1G>A

Genes: MILR1 (mast cell immunoglobulin like receptor 1; plus strand), POLG2 (DNA polymerase gamma 2, accessory subunit; minus strand). Cytogenetic location: 17q23.3.
Variant type: single nucleotide variant.
Coding change: c.969+1G>A on transcript NM_007215.4 (MANE Select); the canonical splice donor site of the intron after coding-DNA position 969, G replaced by A.
Molecular consequence: splice donor variant.
Genome position (GRCh38, 1-based): chr17:64,490,795, C>T on the plus strand (G>A on the coding strand, the complement: POLG2 is on the minus strand). VCF-style: chr17-64490795-C-T. GRCh37 (hg19) VCF-style: chr17-62486912-C-T.
Identifiers: ClinVar variation 4701401 (VCV004701401.1).